The following is an entry in ClinVar:

ClinVar aggregate classification (germline): Uncertain significance (1 of 4 stars; one submission).

Conditions:
Emery-Dreifuss muscular dystrophy 5, autosomal dominant (EDMD5). Also called: EMERY-DREIFUSS MUSCULAR DYSTROPHY 5. Identifiers: Orphanet 261, MedGen C2751805, MONDO:0013072, OMIM 612999.

Submission:

Labcorp Genetics (formerly Invitae), Labcorp
Classification: Uncertain significance for Emery-Dreifuss muscular dystrophy 5, autosomal dominant. Last evaluated: 2022-08-20. Review status: criteria provided, single submitter. Criteria: Invitae Variant Classification Sherloc (09022015). Collection method: clinical testing. Allele origin: germline.
Comment: In summary, the available evidence is currently insufficient to determine the role of this variant in disease. Therefore, it has been classified as a Variant of Uncertain Significance. Algorithms developed to predict the effect of missense changes on protein structure and function (SIFT, PolyPhen-2, Align-GVGD) all suggest that this variant is likely to be tolerated. ClinVar contains an entry for this variant (Variation ID: 1480128). This variant has not been reported in the literature in individuals affected with SYNE2-related conditions. This variant is not present in population databases (gnomAD no frequency). This sequence change replaces proline, which is neutral and non-polar, with arginine, which is basic and polar, at codon 4026 of the SYNE2 protein (p.Pro4026Arg).

NM_182914.3(SYNE2):c.12077C>G (p.Pro4026Arg)

Gene: SYNE2 (spectrin repeat containing nuclear envelope protein 2; plus strand). Cytogenetic location: 14q23.2.
Variant type: single nucleotide variant.
Coding change: c.12077C>G on transcript NM_182914.3 (MANE Select); coding-DNA position 12077, C replaced by G.
Protein change: p.Pro4026Arg; replaces proline 4026 with arginine.
Molecular consequence: missense variant.
Genome position (GRCh38, 1-based): chr14:64,093,449, C>G. VCF-style: chr14-64093449-C-G. GRCh37 (hg19) VCF-style: chr14-64560167-C-G.
Other names: c.12077C>G, p.Pro4026Arg (NM_015180.6); short protein forms P4026R.
Identifiers: ClinVar variation 1480128 (VCV001480128.6), dbSNP rs1009708251, ClinGen allele CA261817142.